The following is an entry in ClinVar:

ClinVar aggregate classification (germline): Benign/Likely benign. Review status: criteria provided, multiple submitters, no conflicts (2 of 4 stars). 5 submissions from 5 submitters: Benign (1); Likely benign (4). Last evaluated 2025-04-02.

Conditions:
Cardiomyopathy (CMYO). Also called: Cardiomyopathies. Identifiers: Orphanet 167848, MedGen C0878544, MONDO:0004994, HP:0001638. Inheritance: Various modes of inheritance.
Cardiovascular phenotype. Identifiers: MedGen CN230736.
Hypertrophic cardiomyopathy. Also called: HYPERTROPHIC MYOCARDIOPATHY. Identifiers: Orphanet 217569, MedGen C0007194, MeSH D002312, MONDO:0005045, HP:0001639.

Allele frequency attached by ClinVar (database versions not stated): gnomAD 0.00001; gnomAD exomes 0.00001 and 0.00002; ExAC 0.00002; TOPMed 0.00002.
gnomAD v4.1: 24 of 1,613,880 alleles (0.0015%); highest among the groups gnomAD compares: African/African-American, 0.0067%; no homozygotes.

Submissions (5):

Labcorp Genetics (formerly Invitae), Labcorp
Classification: Likely benign for Hypertrophic cardiomyopathy. Last evaluated: 2025-04-02. Review status: criteria provided, single submitter. Criteria: Invitae Variant Classification Sherloc (09022015). Collection method: clinical testing. Allele origin: germline.

Ambry Genetics
Classification: Likely benign for Cardiovascular phenotype. Last evaluated: 2025-02-22. Review status: criteria provided, single submitter. Criteria: Ambry Variant Classification Scheme 2023. Collection method: clinical testing. Allele origin: germline.

All of Us Research Program, National Institutes of Health
Classification: Likely benign for Hypertrophic cardiomyopathy. Last evaluated: 2024-08-06. Review status: criteria provided, single submitter. Criteria: ACMG Guidelines, 2015. Collection method: clinical testing. Allele origin: germline. Inheritance: Autosomal dominant inheritance. Observed: 1 variant allele, 1 heterozygote.
Comment: This study involves interpretation of variants in research participants for the purpose of population health screening. Participant phenotype was not available at the time of variant classification. Additional details can be found in publication PMID: 35346344, PMCID: PMC8962531

Color Diagnostics, LLC DBA Color Health
Classification: Likely benign for Cardiomyopathy. Last evaluated: 2018-10-30. Review status: criteria provided, single submitter. Criteria: ACMG Guidelines, 2015. Collection method: clinical testing. Allele origin: germline.

GeneDx
Classification: Benign. Last evaluated: 2015-03-03. Review status: criteria provided, single submitter. Criteria: GeneDx Variant Classification Process June 2021. Collection method: clinical testing. Allele origin: germline. Affected: yes.

NM_000256.3(MYBPC3):c.1545C>T (p.Asn515=)

Gene: MYBPC3 (myosin binding protein C3; minus strand). Cytogenetic location: 11p11.2.
Variant type: single nucleotide variant.
Coding change: c.1545C>T on transcript NM_000256.3 (MANE Select); coding-DNA position 1545, C replaced by T.
Protein change: p.Asn515=; no amino-acid change (asparagine 515 retained).
Molecular consequence: synonymous variant.
Genome position (GRCh38, 1-based): chr11:47,342,657, G>A on the plus strand (C>T on the coding strand, the complement: MYBPC3 is on the minus strand). VCF-style: chr11-47342657-G-A. GRCh37 (hg19) VCF-style: chr11-47364208-G-A.
Identifiers: ClinVar variation 925312 (VCV000925312.10), dbSNP rs771230605, ClinGen allele CA078163.